The following is an entry in ClinVar:

NM_001127644.2(GABRA1):c.727C>G (p.His243Asp)

Gene: GABRA1 (gamma-aminobutyric acid type A receptor subunit alpha1; plus strand). Cytogenetic location: 5q34.
Variant type: single nucleotide variant.
Coding change: c.727C>G on transcript NM_001127644.2 (MANE Select); coding-DNA position 727, C replaced by G.
Protein change: p.His243Asp; replaces histidine 243 with aspartic acid.
Molecular consequence: missense variant.
Genome position (GRCh38, 1-based): chr5:161,890,921, C>G. VCF-style: chr5-161890921-C-G. GRCh37 (hg19) VCF-style: chr5-161317927-C-G.
Other names: c.727C>G, p.His243Asp (NM_000806.5, NM_001127643.2, NM_001127645.2 and 1 more transcripts); short protein forms H243D.
Identifiers: ClinVar variation 1758052 (VCV001758052.2), dbSNP rs2532280134, ClinGen allele CA362179763.

ClinVar aggregate classification (germline): Uncertain significance (1 of 4 stars; one submission).

Conditions:
Inborn genetic diseases. Identifiers: MedGen C0950123, MeSH D030342.

Submission:

Ambry Genetics
Classification: Uncertain significance for Inborn genetic diseases. Last evaluated: 2019-01-26. Review status: criteria provided, single submitter. Criteria: Ambry Variant Classification Scheme 2023. Collection method: clinical testing. Allele origin: germline.
Comment: The p.H243D variant (also known as c.727C>G), located in coding exon 7 of the GABRA1 gene, results from a C to G substitution at nucleotide position 727. The histidine at codon 243 is replaced by aspartic acid, an amino acid with similar properties. This amino acid position is highly conserved in available vertebrate species. In addition, this alteration is predicted to be deleterious by in silico analysis. Since supporting evidence is limited at this time, the clinical significance of this alteration remains unclear.